The following is an entry in ClinVar:

NM_003922.4(HERC1):c.12244A>C (p.Thr4082Pro)

Gene: HERC1 (HECT and RLD domain containing E3 ubiquitin protein ligase family member 1; minus strand). Cytogenetic location: 15q22.31.
Variant type: single nucleotide variant.
Coding change: c.12244A>C on transcript NM_003922.4 (MANE Select); coding-DNA position 12244, A replaced by C.
Protein change: p.Thr4082Pro; replaces threonine 4082 with proline.
Molecular consequence: missense variant.
Genome position (GRCh38, 1-based): chr15:63,636,131, T>G on the plus strand (A>C on the coding strand, the complement: HERC1 is on the minus strand). VCF-style: chr15-63636131-T-G. GRCh37 (hg19) VCF-style: chr15-63928330-T-G.
Other names: short protein forms T4082P.
Identifiers: ClinVar variation 3105319 (VCV003105319.2), dbSNP rs773450231, ClinGen allele CA392741453.

ClinVar aggregate classification (germline): Uncertain significance. Review status: criteria provided, multiple submitters, no conflicts (2 of 4 stars). 2 submissions from 2 submitters: Uncertain significance (2). Last evaluated 2025-08-07.

Conditions:
Inborn genetic diseases. Identifiers: MedGen C0950123, MeSH D030342.

Allele frequency attached by ClinVar (database versions not stated): TOPMed 0.00001.

Submissions (2):

GeneDx
Classification: Uncertain significance. Last evaluated: 2025-08-07. Review status: criteria provided, single submitter. Criteria: GeneDx Variant Classification Process June 2021. Collection method: clinical testing. Allele origin: germline. Affected: yes.
Comment: Not observed at significant frequency in large population cohorts (gnomAD); In silico analysis supports that this missense variant has a deleterious effect on protein structure/function; In silico analysis suggests this variant may impact gene splicing. In the absence of RNA/functional studies, the actual effect of this sequence change is unknown.; Has not been previously published as pathogenic or benign to our knowledge

Ambry Genetics
Classification: Uncertain significance for Inborn genetic diseases. Last evaluated: 2024-01-24. Review status: criteria provided, single submitter. Criteria: Ambry Variant Classification Scheme 2023. Collection method: clinical testing. Allele origin: germline.